The following is an entry in ClinVar:

ClinVar aggregate classification (germline): Uncertain significance. Review status: criteria provided, multiple submitters, no conflicts (2 of 4 stars). 3 submissions from 3 submitters: Uncertain significance (3). Last evaluated 2025-01-13.

Conditions:
3M syndrome 1. Also called: 3-M Syndrome, CUL7-Related. Identifiers: Orphanet 2616, MedGen C2678312, MONDO:0010117, OMIM 273750.
Inborn genetic diseases. Identifiers: MedGen C0950123, MeSH D030342.

Allele frequency attached by ClinVar (database versions not stated): TOPMed 0.00005.

Submissions (3):

Labcorp Genetics (formerly Invitae), Labcorp
Classification: Uncertain significance. Last evaluated: 2025-01-13. Review status: criteria provided, single submitter. Criteria: Invitae Variant Classification Sherloc (09022015). Collection method: clinical testing. Allele origin: germline.
Comment: This sequence change replaces arginine, which is basic and polar, with leucine, which is neutral and non-polar, at codon 47 of the CUL7 protein (p.Arg47Leu). This variant is present in population databases (rs535734678, gnomAD 0.004%). This variant has not been reported in the literature in individuals affected with CUL7-related conditions. ClinVar contains an entry for this variant (Variation ID: 911604). An algorithm developed to predict the effect of missense changes on protein structure and function (PolyPhen-2) suggests that this variant is likely to be disruptive. In summary, the available evidence is currently insufficient to determine the role of this variant in disease. Therefore, it has been classified as a Variant of Uncertain Significance.

Ambry Genetics
Classification: Uncertain significance for Inborn genetic diseases. Last evaluated: 2024-10-17. Review status: criteria provided, single submitter. Criteria: Ambry Variant Classification Scheme 2023. Collection method: clinical testing. Allele origin: germline.

Illumina Laboratory Services, Illumina
Classification: Uncertain significance for 3M syndrome 1. Last evaluated: 2018-01-12. Review status: criteria provided, single submitter. Criteria: ICSL Variant Classification Criteria 13 December 2019. Collection method: clinical testing. Allele origin: germline.

NM_014780.5(CUL7):c.140G>T (p.Arg47Leu)

Gene: CUL7 (cullin 7; minus strand). Cytogenetic location: 6p21.1.
Variant type: single nucleotide variant.
Coding change: c.140G>T on transcript NM_014780.5 (MANE Select); coding-DNA position 140, G replaced by T.
Protein change: p.Arg47Leu; replaces arginine 47 with leucine.
Molecular consequence: missense variant.
Genome position (GRCh38, 1-based): chr6:43,052,649, C>A on the plus strand (G>T on the coding strand, the complement: CUL7 is on the minus strand). VCF-style: chr6-43052649-C-A. GRCh37 (hg19) VCF-style: chr6-43020387-C-A.
Other names: c.140G>T, p.Arg47Leu (NM_001168370.2, NM_001374872.1, NM_001374873.1 and 1 more transcripts); short protein forms R47L.
Identifiers: ClinVar variation 911604 (VCV000911604.10), dbSNP rs535734678, ClinGen allele CA3814446.